The following is an entry in ClinVar:

NM_015425.6(POLR1A):c.3802G>A (p.Val1268Met)

Genes: POLR1A (RNA polymerase I subunit A; minus strand), LOC106783498 (conserved acetylation island sequence 34 enhancer; plus strand). Cytogenetic location: 2p11.2.
Variant type: single nucleotide variant.
Coding change: c.3802G>A on transcript NM_015425.6 (MANE Select); coding-DNA position 3802, G replaced by A.
Protein change: p.Val1268Met; replaces valine 1268 with methionine.
Molecular consequence: missense variant.
Genome position (GRCh38, 1-based): chr2:86,039,401, C>T on the plus strand (G>A on the coding strand, the complement: POLR1A is on the minus strand). VCF-style: chr2-86039401-C-T. GRCh37 (hg19) VCF-style: chr2-86266524-C-T.
Other names: short protein forms V1268M.
Identifiers: ClinVar variation 3713310 (VCV003713310.2).

ClinVar aggregate classification (germline): Uncertain significance (1 of 4 stars; one submission).

gnomAD v4.1: 15 of 1,613,972 alleles (0.00093%); highest among the groups gnomAD compares: Admixed American, 0.0033%; no homozygotes.

Submission:

Labcorp Genetics (formerly Invitae), Labcorp
Classification: Uncertain significance. Last evaluated: 2025-02-17. Review status: criteria provided, single submitter. Criteria: Invitae Variant Classification Sherloc (09022015). Collection method: clinical testing. Allele origin: germline.
Comment: This sequence change replaces valine, which is neutral and non-polar, with methionine, which is neutral and non-polar, at codon 1268 of the POLR1A protein (p.Val1268Met). This variant is present in population databases (rs770406184, gnomAD 0.003%). This variant has not been reported in the literature in individuals affected with POLR1A-related conditions. Invitae Evidence Modeling of protein sequence and biophysical properties (such as structural, functional, and spatial information, amino acid conservation, physicochemical variation, residue mobility, and thermodynamic stability) indicates that this missense variant is expected to disrupt POLR1A protein function with a positive predictive value of 80%. In summary, the available evidence is currently insufficient to determine the role of this variant in disease. Therefore, it has been classified as a Variant of Uncertain Significance.